The following is an entry in ClinVar:

ClinVar aggregate classification (germline): Pathogenic/Likely pathogenic. Review status: criteria provided, multiple submitters, no conflicts (2 of 4 stars). 3 submissions from 3 submitters: Pathogenic (1); Likely pathogenic (2). Last evaluated 2024-10-04.

Conditions:
Abnormal heart morphology. Also called: Abnormality of cardiac morphology; Heart, malformation of. Identifiers: MedGen C0018798, MeSH D006330, HP:0001627.
CDK13-related disorder. Also called: CDK13-related condition. Identifiers: MedGen C5816700.

Submissions (3):

Dubai Health Genomic Medicine Center, Dubai Health
Classification: Likely pathogenic for Congenital heart defects. Last evaluated: 2024-10-04. Review status: criteria provided, single submitter. Criteria: ACMG Guidelines, 2015. Collection method: research. Allele origin: germline. Affected: yes.
Comment: PS2,PS4,PP3,PM2

GeneDx
Classification: Pathogenic. Last evaluated: 2024-04-01. Review status: criteria provided, single submitter. Criteria: GeneDx Variant Classification Process June 2021. Collection method: clinical testing. Allele origin: germline. Affected: yes.
Comment: Not observed at significant frequency in large population cohorts (gnomAD); In silico analysis supports that this missense variant has a deleterious effect on protein structure/function; This variant is associated with the following publications: (PMID: 31238879)

Blueprint Genetics
Classification: Likely pathogenic for CDK13-related disorders. Last evaluated: 2023-05-10. Review status: criteria provided, single submitter. Criteria: ACMG Guidelines, 2015. Collection method: clinical testing. Allele origin: de novo. Affected: yes. Observed: 1 variant allele.

NM_003718.5(CDK13):c.2134G>A (p.Gly712Arg)

Gene: CDK13 (cyclin dependent kinase 13; plus strand). Cytogenetic location: 7p14.1.
Variant type: single nucleotide variant.
Coding change: c.2134G>A on transcript NM_003718.5 (MANE Select); coding-DNA position 2134, G replaced by A.
Protein change: p.Gly712Arg; replaces glycine 712 with arginine.
Molecular consequence: missense variant.
Genome position (GRCh38, 1-based): chr7:39,999,452, G>A. VCF-style: chr7-39999452-G-A. GRCh37 (hg19) VCF-style: chr7-40039051-G-A.
Other names: c.2134G>A, p.Gly712Arg (NM_031267.4); short protein forms G712R.
Identifiers: ClinVar variation 3361031 (VCV003361031.3).